The following is an entry in ClinVar:

ClinVar aggregate classification (germline): Uncertain significance (0 of 4 stars; one submission).

Conditions:
SH2B1-related disorder. Also called: SH2B1-related condition.

gnomAD v4.1: 2 of 1,613,974 alleles (0.00012%); highest among the groups gnomAD compares: Non-Finnish European, 0.00017%; no homozygotes.

Submission:

PreventionGenetics, part of Exact Sciences
Classification: Uncertain significance for SH2B1-related condition. Last evaluated: 2024-03-21. Review status: no assertion criteria provided. Collection method: clinical testing. Allele origin: germline.
Comment: The SH2B1 c.1147A>T variant is predicted to result in the amino acid substitution p.Thr383Ser. To our knowledge, this variant has not been reported in the literature. This variant is reported in 0.00088% of alleles in individuals of European (Non-Finnish) descent in gnomAD. At this time, the clinical significance of this variant is uncertain due to the absence of conclusive functional and genetic evidence.

NM_001387430.1(SH2B1):c.1147A>T (p.Thr383Ser)

Gene: SH2B1 (SH2B adaptor protein 1; plus strand). Cytogenetic location: 16p11.2.
Variant type: single nucleotide variant.
Coding change: c.1147A>T on transcript NM_001387430.1 (MANE Select); coding-DNA position 1147, A replaced by T.
Protein change: p.Thr383Ser; replaces threonine 383 with serine.
Molecular consequence: missense variant.
Genome position (GRCh38, 1-based): chr16:28,869,221, A>T. VCF-style: chr16-28869221-A-T. GRCh37 (hg19) VCF-style: chr16-28880542-A-T.
Other names: c.1147A>T, p.Thr383Ser (NM_001145795.2, NM_001145796.2, NM_001145797.2 and 4 more transcripts); c.139A>T, p.Thr47Ser (NM_001308294.2); short protein forms T383S, T47S.
Identifiers: ClinVar variation 3356615 (VCV003356615.1).